The following is an entry in ClinVar:

NM_024408.4(NOTCH2):c.6238C>G (p.Leu2080Val)

Gene: NOTCH2 (notch receptor 2; minus strand). Cytogenetic location: 1p12.
Variant type: single nucleotide variant.
Coding change: c.6238C>G on transcript NM_024408.4 (MANE Select); coding-DNA position 6238, C replaced by G.
Protein change: p.Leu2080Val; replaces leucine 2080 with valine.
Molecular consequence: missense variant.
Genome position (GRCh38, 1-based): chr1:119,916,484, G>C on the plus strand (C>G on the coding strand, the complement: NOTCH2 is on the minus strand). VCF-style: chr1-119916484-G-C. GRCh37 (hg19) VCF-style: chr1-120459107-G-C.
Other names: short protein forms L2080V.
Identifiers: ClinVar variation 2142837 (VCV002142837.4), dbSNP rs1319173927, ClinGen allele CA341879353.

ClinVar aggregate classification (germline): Uncertain significance (1 of 4 stars; one submission).

Conditions:
Hajdu-Cheney syndrome (HJCYS). Also called: Acroosteolysis dominant type; ACROOSTEOLYSIS WITH OSTEOPOROSIS AND CHANGES IN SKULL AND MANDIBLE; SERPENTINE FIBULA-POLYCYSTIC KIDNEY SYNDROME. Identifiers: Orphanet 955, MedGen C0917715, MONDO:0007057, OMIM 102500.

Allele frequency attached by ClinVar (database versions not stated): TOPMed below 0.00001.
gnomAD v4.1: 5 of 1,612,646 alleles (0.00031%); highest among the groups gnomAD compares: African/African-American, 0.0027%; no homozygotes.

Submission:

Labcorp Genetics (formerly Invitae), Labcorp
Classification: Uncertain significance for Hajdu-Cheney syndrome. Last evaluated: 2024-12-12. Review status: criteria provided, single submitter. Criteria: Invitae Variant Classification Sherloc (09022015). Collection method: clinical testing. Allele origin: germline.
Comment: This sequence change replaces leucine, which is neutral and non-polar, with valine, which is neutral and non-polar, at codon 2080 of the NOTCH2 protein (p.Leu2080Val). This variant is present in population databases (no rsID available, gnomAD 0.007%). This variant has not been reported in the literature in individuals affected with NOTCH2-related conditions. ClinVar contains an entry for this variant (Variation ID: 2142837). Invitae Evidence Modeling of protein sequence and biophysical properties (such as structural, functional, and spatial information, amino acid conservation, physicochemical variation, residue mobility, and thermodynamic stability) indicates that this missense variant is not expected to disrupt NOTCH2 protein function with a negative predictive value of 80%. In summary, the available evidence is currently insufficient to determine the role of this variant in disease. Therefore, it has been classified as a Variant of Uncertain Significance.